The following is an entry in ClinVar:

NM_170707.4(LMNA):c.631T>A (p.Tyr211Asn)

Gene: LMNA (lamin A/C; plus strand). Cytogenetic location: 1q22.
Variant type: single nucleotide variant.
Coding change: c.631T>A on transcript NM_170707.4 (MANE Select); coding-DNA position 631, T replaced by A.
Protein change: p.Tyr211Asn; replaces tyrosine 211 with asparagine.
Molecular consequence: missense variant.
Genome position (GRCh38, 1-based): chr1:156,134,520, T>A. VCF-style: chr1-156134520-T-A. GRCh37 (hg19) VCF-style: chr1-156104311-T-A.
Other names: c.295T>A, p.Tyr99Asn (NM_001257374.3, NM_001406989.1, NM_001406998.1); c.388T>A, p.Tyr130Asn (NM_001282624.2, NM_001406986.1, NM_001406987.1); c.631T>A, p.Tyr211Asn (NM_001282625.2, NM_001282626.2, NM_001406983.1 and 6 more transcripts); c.334T>A, p.Tyr112Asn (NM_001406988.1); c.73T>A, p.Tyr25Asn (NM_001406990.1, NM_001406993.1, NM_001406995.1 and 4 more transcripts); c.-34T>A (NM_001406994.1, NM_001406999.1, NM_001407000.1 and 1 more transcripts); short protein forms Y130N, Y25N, Y112N, Y211N, Y99N.
Identifiers: ClinVar variation 1752846 (VCV001752846.3), dbSNP rs1651356208, ClinGen allele CA342817080.

ClinVar aggregate classification (germline): Uncertain significance. Review status: criteria provided, multiple submitters, no conflicts (2 of 4 stars). 2 submissions from 2 submitters: Uncertain significance (2). Last evaluated 2023-01-26.

Conditions:
Cardiomyopathy (CMYO). Also called: Cardiomyopathies. Identifiers: Orphanet 167848, MedGen C0878544, MONDO:0004994, HP:0001638. Inheritance: Various modes of inheritance.
Cardiovascular phenotype. Identifiers: MedGen CN230736.

Allele frequency attached by ClinVar (database versions not stated): gnomAD 0.00001.
gnomAD v4.1: 3 of 1,613,916 alleles (0.00019%); highest among the groups gnomAD compares: Non-Finnish European, 0.00025%; no homozygotes.

Submissions (2):

CHEO Genetics Diagnostic Laboratory, Children's Hospital of Eastern Ontario
Classification: Uncertain significance for Cardiomyopathy. Last evaluated: 2023-01-26. Review status: criteria provided, single submitter. Criteria: ACMG Guidelines, 2015. Collection method: clinical testing. Allele origin: germline.

Ambry Genetics
Classification: Uncertain significance for Cardiovascular phenotype. Last evaluated: 2022-04-08. Review status: criteria provided, single submitter. Criteria: Ambry Variant Classification Scheme 2023. Collection method: clinical testing. Allele origin: germline.
Comment: The p.Y211N variant (also known as c.631T>A), located in coding exon 3 of the LMNA gene, results from a T to A substitution at nucleotide position 631. The tyrosine at codon 211 is replaced by asparagine, an amino acid with dissimilar properties. This amino acid position is well conserved in available vertebrate species. In addition, this alteration is predicted to be deleterious by in silico analysis. Since supporting evidence is limited at this time, the clinical significance of this alteration remains unclear.